The following is an entry in ClinVar:

ClinVar aggregate classification (germline): Likely benign (0 of 4 stars; one submission).

Conditions:
HOXA10-related disorder. Also called: HOXA10-related condition.

Allele frequency attached by ClinVar (database versions not stated): ESP Exome Variant Server 0.00046; ExAC 0.00017.

Submission:

PreventionGenetics, part of Exact Sciences
Classification: Likely benign for HOXA10-related condition. Last evaluated: 2019-09-17. Review status: no assertion criteria provided. Collection method: clinical testing. Allele origin: germline.
Comment: This variant is classified as likely benign based on ACMG/AMP sequence variant interpretation guidelines (Richards et al. 2015 PMID: 25741868, with internal and published modifications).

NM_018951.4(HOXA10):c.546G>T (p.Ser182=)

Genes: HOXA10 (homeobox A10; minus strand), HOXA10-HOXA9 (HOXA10-HOXA9 readthrough; minus strand). Cytogenetic location: 7p15.2.
Variant type: single nucleotide variant.
Coding change: c.546G>T on transcript NM_018951.4 (MANE Select); coding-DNA position 546, G replaced by T.
Protein change: p.Ser182=; no amino-acid change (serine 182 retained).
Molecular consequence: synonymous variant.
Genome position (GRCh38, 1-based): chr7:27,173,761, C>A on the plus strand (G>T on the coding strand, the complement: HOXA10 is on the minus strand). VCF-style: chr7-27173761-C-A. GRCh37 (hg19) VCF-style: chr7-27213380-C-A.
Identifiers: ClinVar variation 3044896 (VCV003044896.2), dbSNP rs373374162, ClinGen allele CA4198112.